The following is an entry in ClinVar:

NM_001035.3(RYR2):c.12844G>A (p.Ala4282Thr)

Genes: RYR2 (ryanodine receptor 2; plus strand), LOC126806068 (BRD4-independent group 4 enhancer GRCh37_chr1:237947411-237948610; plus strand). Cytogenetic location: 1q43.
Variant type: single nucleotide variant.
Coding change: c.12844G>A on transcript NM_001035.3 (MANE Select); coding-DNA position 12844, G replaced by A.
Protein change: p.Ala4282Thr; replaces alanine 4282 with threonine.
Molecular consequence: missense variant.
Genome position (GRCh38, 1-based): chr1:237,784,556, G>A. VCF-style: chr1-237784556-G-A. GRCh37 (hg19) VCF-style: chr1-237947856-G-A.
Other names: short protein forms A4282T.
Identifiers: ClinVar variation 4800121 (VCV004800121.1).

ClinVar aggregate classification (germline): Uncertain significance (1 of 4 stars; one submission).

Conditions:
Catecholaminergic polymorphic ventricular tachycardia 1. Also called: VENTRICULAR TACHYCARDIA, STRESS-INDUCED POLYMORPHIC 1; RYR2-Related Catecholaminergic Polymorphic Ventricular Tachycardia; VENTRICULAR TACHYCARDIA, CATECHOLAMINERGIC POLYMORPHIC, 1, WITH OR WITHOUT ATRIAL DYSFUNCTION AND/OR DILATED CARDIOMYOPATHY. Identifiers: Orphanet 3286, MedGen C1631597, MONDO:0011484, OMIM 604772.

Submission:

Labcorp Genetics (formerly Invitae), Labcorp
Classification: Uncertain significance for Catecholaminergic polymorphic ventricular tachycardia 1. Last evaluated: 2025-11-03. Review status: criteria provided, single submitter. Criteria: Invitae Variant Classification Sherloc (09022015). Collection method: clinical testing. Allele origin: germline.
Comment: This sequence change replaces alanine, which is neutral and non-polar, with threonine, which is neutral and polar, at codon 4282 of the RYR2 protein (p.Ala4282Thr). This variant is not present in population databases (gnomAD no frequency). This variant has not been reported in the literature in individuals affected with RYR2-related conditions. Invitae Evidence Modeling of protein sequence and biophysical properties (such as structural, functional, and spatial information, amino acid conservation, physicochemical variation, residue mobility, and thermodynamic stability) indicates that this missense variant is not expected to disrupt RYR2 protein function with a negative predictive value of 95%. In summary, the available evidence is currently insufficient to determine the role of this variant in disease. Therefore, it has been classified as a Variant of Uncertain Significance.